The following is an entry in ClinVar:

ClinVar aggregate classification (germline): Conflicting classifications of pathogenicity. Review status: criteria provided, conflicting classifications (1 of 4 stars). 3 submissions from 3 submitters: Likely pathogenic (1); Uncertain significance (1). 1 of the submissions does not count toward it. Last evaluated 2025-01-01.

Conditions:
AMYOTROPHIC LATERAL SCLEROSIS 26 WITH FRONTOTEMPORAL DEMENTIA.
Welander distal myopathy (WDM). Also called: Gower's muscular dystrophy; MUSCULAR DYSTROPHY, DISTAL, LATE-ONSET, AUTOSOMAL DOMINANT; Welander distal myopathy, Swedish type; Distal myopathy, Swedish type. Identifiers: Orphanet 603, MedGen C0221054, MONDO:0011466, OMIM 604454.

Allele frequency attached by ClinVar (database versions not stated): TOPMed below 0.00001; ExAC 0.00002; gnomAD exomes 0.00002.

Submissions (3):

Labcorp Genetics (formerly Invitae), Labcorp
Classification: Uncertain significance for Welander distal myopathy. Last evaluated: 2025-01-01. Review status: criteria provided, single submitter. Criteria: Invitae Variant Classification Sherloc (09022015). Collection method: clinical testing. Allele origin: germline.
Comment: This sequence change replaces proline, which is neutral and non-polar, with leucine, which is neutral and non-polar, at codon 362 of the TIA1 protein (p.Pro362Leu). This variant is present in population databases (rs757332023, gnomAD 0.01%). This missense change has been observed in individual(s) with amyotrophic lateral sclerosis and frontotemporal dementia (ALS-FTD) and dementia with Lewy bodies (PMID: 28817800, 31996268). ClinVar contains an entry for this variant (Variation ID: 992595). An algorithm developed to predict the effect of missense changes on protein structure and function (PolyPhen-2) suggests that this variant is likely to be tolerated. Experimental studies have shown that this missense change affects TIA1 function (PMID: 28817800, 36112647). In summary, the available evidence is currently insufficient to determine the role of this variant in disease. Therefore, it has been classified as a Variant of Uncertain Significance.

Revvity Omics, Revvity
Classification: Likely pathogenic. Last evaluated: 2022-01-19. Review status: criteria provided, single submitter. Criteria: ACMG Guidelines, 2015. Collection method: clinical testing. Allele origin: germline.

OMIM
Classification: Pathogenic for AMYOTROPHIC LATERAL SCLEROSIS 26 WITH FRONTOTEMPORAL DEMENTIA. Last evaluated: 2021-01-06. Review status: flagged submission. Collection method: literature only. Allele origin: germline. Not counted in ClinVar's aggregate classification.
ClinVar note: Notes: Flagging candidate with reason of insufficient supporting evidence. This gene has been classified as having a limited gene-disease relationship by a ClinGen Expert Panel.
ClinVar note: Reason: Other

Literature cited by the submitters: PubMed 28817800 (cited by Labcorp Genetics (formerly Invitae), Labcorp and OMIM); PubMed 31996268 (cited by Labcorp Genetics (formerly Invitae), Labcorp); PubMed 36112647 (cited by Labcorp Genetics (formerly Invitae), Labcorp).

NM_022173.4(TIA1):c.1085C>T (p.Pro362Leu)

Gene: TIA1 (TIA1 cytotoxic granule associated RNA binding protein; minus strand). Cytogenetic location: 2p13.3.
Variant type: single nucleotide variant.
Coding change: c.1085C>T on transcript NM_022173.4 (MANE Select); coding-DNA position 1085, C replaced by T.
Protein change: p.Pro362Leu; replaces proline 362 with leucine.
Molecular consequence: missense variant. On other transcripts: non-coding transcript variant (17).
Genome position (GRCh38, 1-based): chr2:70,212,795, G>A on the plus strand (C>T on the coding strand, the complement: TIA1 is on the minus strand). VCF-style: chr2-70212795-G-A. GRCh37 (hg19) VCF-style: chr2-70439927-G-A.
Other names: c.1082C>T, p.Pro361Leu (NM_001351508.2); c.1058C>T, p.Pro353Leu (NM_001351509.2); c.1049C>T, p.Pro350Leu (NM_001351510.2); c.974C>T, p.Pro325Leu (NM_001351511.1); c.947C>T, p.Pro316Leu (NM_001351512.1); c.941C>T, p.Pro314Leu (NM_001351513.1); c.857C>T, p.Pro286Leu (NM_001351514.2); c.782C>T, p.Pro261Leu (NM_001351515.2); and 3 more; short protein forms P362L, P221L, P222L, P261L, P286L, P314L, P316L, P325L.
Identifiers: ClinVar variation 992595 (VCV000992595.10), dbSNP rs757332023, ClinGen allele CA1697401.
Genomic context (GRCh38, chr2:70,212,795, plus strand): 5'-CCTGCCACTCGATACCCAGAAGGCTGATTGGGCAACATGCTGCCATTTTGCCCTTGAGGC[G>A]GTTGCACTCCATAATTTGGTCCCATCCATGGTGCAGAAGACTGTGTCTGACTGGTGGAGA-3'
Protein context (NP_071505.2, residues 352-372): PWMGPNYGVQ[Pro362Leu]PQGQNGSMLP